The following is an entry in ClinVar:

ClinVar aggregate classification (germline): Pathogenic. Review status: criteria provided, multiple submitters, no conflicts (2 of 4 stars). 5 submissions from 5 submitters: Pathogenic (5). Last evaluated 2025-09-22.

Conditions:
BARD1-related disorder. Also called: BARD1-related condition.
Hereditary cancer-predisposing syndrome. Also called: Neoplastic Syndromes, Hereditary; Hereditary Cancer Syndrome; Tumor predisposition; Hereditary neoplastic syndrome. Identifiers: Orphanet 140162, MedGen C0027672, MeSH D009386, MONDO:0015356.
Familial cancer of breast. Also called: BREAST CANCER, FAMILIAL; Hereditary breast cancer; hereditary breast carcinoma. Identifiers: Orphanet 227535, MedGen C0346153, MONDO:0016419, OMIM 114480. Disease mechanism: loss of function.

Submissions (5):

PreventionGenetics, part of Exact Sciences
Classification: Pathogenic for BARD1-related condition. Last evaluated: 2025-09-22. Review status: criteria provided, single submitter. Criteria: ACMG Guidelines, 2015. Collection method: clinical testing. Allele origin: germline.
Comment: The BARD1 c.292_295delAATA variant is predicted to result in a frameshift and premature protein termination (p.Asn98Aspfs*6). To our knowledge, this variant has not been reported in the literature or in a large population database (gnomAD), indicating this variant is rare. This variant is interpreted as pathogenic in ClinVar (Variation ID: 479126). Frameshift variants in BARD1 are expected to be pathogenic. This variant is interpreted as pathogenic.

Labcorp Genetics (formerly Invitae), Labcorp
Classification: Pathogenic for Familial cancer of breast. Last evaluated: 2024-04-01. Review status: criteria provided, single submitter. Criteria: Invitae Variant Classification Sherloc (09022015). Collection method: clinical testing. Allele origin: germline.
Comment: This sequence change creates a premature translational stop signal (p.Asn98Aspfs*6) in the BARD1 gene. It is expected to result in an absent or disrupted protein product. Loss-of-function variants in BARD1 are known to be pathogenic (PMID: 20077502, 21344236). This variant is not present in population databases (gnomAD no frequency). This variant has not been reported in the literature in individuals affected with BARD1-related conditions. ClinVar contains an entry for this variant (Variation ID: 479126). For these reasons, this variant has been classified as Pathogenic.

Ambry Genetics
Classification: Pathogenic for Hereditary cancer-predisposing syndrome. Last evaluated: 2024-03-26. Review status: criteria provided, single submitter. Criteria: Ambry Variant Classification Scheme 2023. Collection method: clinical testing. Allele origin: germline.
Comment: The c.292_295delAATA pathogenic mutation, located in coding exon 3 of the BARD1 gene, results from a deletion of 4 nucleotides at nucleotide positions 292 to 295, causing a translational frameshift with a predicted alternate stop codon (p.N98Dfs*6). This variant is considered to be rare based on population cohorts in the Genome Aggregation Database (gnomAD). This alteration is expected to result in loss of function by premature protein truncation or nonsense-mediated mRNA decay. As such, this alteration is interpreted as a disease-causing mutation.

Myriad Genetics, Inc.
Classification: Pathogenic for Familial cancer of breast. Last evaluated: 2023-05-18. Review status: criteria provided, single submitter. Criteria: Myriad Autosomal Dominant, Autosomal Recessive and X-Linked Classification Criteria (2023). Collection method: clinical testing. Allele origin: unknown.
Comment: This variant is considered pathogenic. This variant creates a frameshift predicted to result in premature protein truncation.

Color Diagnostics, LLC DBA Color Health
Classification: Pathogenic for Hereditary cancer-predisposing syndrome. Last evaluated: 2020-05-20. Review status: criteria provided, single submitter. Criteria: ACMG Guidelines, 2015. Collection method: clinical testing. Allele origin: germline.
Comment: This variant deletes 4 nucleotides in exon 3 of the BARD1 gene, creating a frameshift and premature translation stop signal. This variant is expected to result in an absent or non-functional protein product. To our knowledge, this variant has not been reported in individuals affected with hereditary cancer in the literature. This variant has not been identified in the general population by the Genome Aggregation Database (gnomAD). Loss of BARD1 function is a known mechanism of disease. Based on the available evidence, this variant is classified as Pathogenic.

Literature cited by the submitters: PubMed 20077502 (cited by Labcorp Genetics (formerly Invitae), Labcorp); PubMed 21344236 (cited by Labcorp Genetics (formerly Invitae), Labcorp).

NM_000465.4(BARD1):c.292_295del (p.Asn98fs)

Gene: BARD1 (BRCA1 associated RING domain 1; minus strand). Cytogenetic location: 2q35.
Variant type: Deletion.
Coding change: c.292_295del on transcript NM_000465.4 (MANE Select); coding-DNA positions 292 to 295, 4 bases deleted (AATA; older notation c.292_295delAATA).
Protein change: p.Asn98fs; shifts the reading frame from asparagine 98.
Molecular consequence: frameshift variant. On other transcripts: non-coding transcript variant (1), intron variant (2).
Genome position (GRCh38, 1-based): chr2:214,792,366-214,792,369, TATT deleted on the plus strand (AATA on the coding strand, the reverse complement: BARD1 is on the minus strand); deleting any 4 consecutive bases within chr2:214,792,366-214,792,372 gives the same sequence; the c. name uses the placement nearest the transcript's 3' end. VCF-style (leftmost placement, unchanged base first): chr2-214792365-CTATT-C. GRCh37 (hg19) VCF-style: chr2-215657089-CTATT-C.
Other names: c.235_238del, p.Asn79fs (NM_001282543.2); c.292_295del, p.Asn98fs (NM_001282549.2); c.158+17043_158+17046del (NM_001282548.2); c.215+4692_215+4695del (NM_001282545.2); short protein forms N98fs, N79fs.
Identifiers: ClinVar variation 479126 (VCV000479126.13), dbSNP rs1553624758, ClinGen allele CA658657213.